The following is an entry in ClinVar:

ClinVar aggregate classification (germline): Benign/Likely benign. Review status: criteria provided, multiple submitters, no conflicts (2 of 4 stars). 4 submissions from 4 submitters: Benign (3); Likely benign (1). Last evaluated 2025-09-10.

Allele frequency attached by ClinVar (database versions not stated): gnomAD exomes 0.00026 and 0.00068; ExAC 0.00092; 1000 Genomes Project 0.00200; 1000 Genomes Project 30x 0.00234; gnomAD 0.00276 and 0.00289; TOPMed 0.00306; ESP Exome Variant Server 0.00354.
gnomAD v4.1: 822 of 1,614,028 alleles (0.051%); highest among the groups gnomAD compares: African/African-American, 0.97%; 5 homozygotes.

Submissions (4):

Labcorp Genetics (formerly Invitae), Labcorp
Classification: Benign. Last evaluated: 2025-09-10. Review status: criteria provided, single submitter. Criteria: Invitae Variant Classification Sherloc (09022015). Collection method: clinical testing. Allele origin: germline.

Mayo Clinic Laboratories, Mayo Clinic
Classification: Benign. Last evaluated: 2025-01-06. Review status: criteria provided, single submitter. Criteria: ACMG Guidelines, 2015. Collection method: clinical testing. Allele origin: germline. Observed: 1 variant allele.
Comment: BS1, BS2, BP4, BP7

Blueprint Genetics
Classification: Likely benign. Last evaluated: 2024-10-24. Review status: criteria provided, single submitter. Criteria: ACMG Guidelines, 2015. Collection method: clinical testing. Allele origin: germline.

Athena Diagnostics
Classification: Benign. Last evaluated: 2023-10-20. Review status: criteria provided, single submitter. Criteria: Athena Diagnostics Criteria. Collection method: clinical testing. Allele origin: unknown.

Literature cited by the submitters: PubMed 22448230 (cited by Athena Diagnostics).

NM_001278064.2(GRM1):c.1980G>A (p.Gln660=)

Gene: GRM1 (glutamate metabotropic receptor 1; plus strand). Cytogenetic location: 6q24.3.
Variant type: single nucleotide variant.
Coding change: c.1980G>A on transcript NM_001278064.2 (MANE Select); coding-DNA position 1980, G replaced by A.
Protein change: p.Gln660=; no amino-acid change (glutamine 660 retained).
Molecular consequence: synonymous variant.
Genome position (GRCh38, 1-based): chr6:146,399,019, G>A. VCF-style: chr6-146399019-G-A. GRCh37 (hg19) VCF-style: chr6-146720155-G-A.
Other names: p.Gln660=; c.1980G>A, p.Gln660= (NM_001278065.2, NM_001278066.1, NM_001278067.1).
Identifiers: ClinVar variation 585953 (VCV000585953.14), dbSNP rs138840977, ClinGen allele CA4037399.
Genomic context (GRCh38, chr6:146,399,019, plus strand): 5'-TGGTTATGTGTGCCCATTCACTCTCATTGCCAAACCTACTACCACCTCCTGCTACCTCCA[G>A]CGCCTCTTGGTTGGCCTCTCCTCTGCGATGTGCTACTCTGCTTTAGTGACTAAAACCAAT-3'
Protein context (NP_001264993.1, residues 650-670): AKPTTTSCYL[Gln660=]RLLVGLSSAM